The following is an entry in ClinVar:

NM_025137.4(SPG11):c.2950G>T (p.Glu984Ter)

Gene: SPG11 (SPG11 vesicle trafficking associated, spatacsin; minus strand). Cytogenetic location: 15q21.1.
Variant type: single nucleotide variant.
Coding change: c.2950G>T on transcript NM_025137.4 (MANE Select); coding-DNA position 2950, G replaced by T.
Protein change: p.Glu984Ter; replaces glutamic acid 984 with a stop codon.
Molecular consequence: nonsense.
Genome position (GRCh38, 1-based): chr15:44,615,451, C>A on the plus strand (G>T on the coding strand, the complement: SPG11 is on the minus strand). VCF-style: chr15-44615451-C-A. GRCh37 (hg19) VCF-style: chr15-44907649-C-A.
Other names: c.2950G>T, p.Glu984Ter (NM_001160227.2, NM_001411132.1); short protein forms E984*.
Identifiers: ClinVar variation 3687935 (VCV003687935.2).

ClinVar aggregate classification (germline): Pathogenic (1 of 4 stars; one submission).

Conditions:
Hereditary spastic paraplegia 11. Also called: Spastic paraplegia, mental retardation and thin corpus callosum; SPASTIC PARAPLEGIA, AUTOSOMAL RECESSIVE, COMPLICATED, WITH THIN CORPUS CALLOSUM; SPASTIC PARAPLEGIA, AUTOSOMAL RECESSIVE, WITH MENTAL IMPAIRMENT AND THIN CORPUS CALLOSUM; Spastic Paraplegia 11; Nakamura Osame syndrome; Autosomal recessive hereditary spastic paraplegia, mental impairment, and thin corpus callosum. Identifiers: Orphanet 2822, MedGen C1858479, MONDO:0011445, OMIM 604360.

Submission:

Labcorp Genetics (formerly Invitae), Labcorp
Classification: Pathogenic for Hereditary spastic paraplegia 11. Last evaluated: 2024-02-13. Review status: criteria provided, single submitter. Criteria: Invitae Variant Classification Sherloc (09022015). Collection method: clinical testing. Allele origin: germline.
Comment: This sequence change creates a premature translational stop signal (p.Glu984*) in the SPG11 gene. It is expected to result in an absent or disrupted protein product. Loss-of-function variants in SPG11 are known to be pathogenic (PMID: 19105190, 20110243, 22154821, 26556829). This variant is not present in population databases (gnomAD no frequency). This variant has not been reported in the literature in individuals affected with SPG11-related conditions. Algorithms developed to predict the effect of sequence changes on RNA splicing suggest that this variant may disrupt the consensus splice site. For these reasons, this variant has been classified as Pathogenic.

Literature cited by the submitters: PubMed 19105190; PubMed 20110243; PubMed 22154821; PubMed 26556829.